The following is an entry in ClinVar:

ClinVar aggregate classification (germline): Uncertain significance (1 of 4 stars; one submission).

Conditions:
Hereditary cancer-predisposing syndrome. Also called: Hereditary neoplastic syndrome; Neoplastic Syndromes, Hereditary; Tumor predisposition; Hereditary Cancer Syndrome. Identifiers: Orphanet 140162, MedGen C0027672, MeSH D009386, MONDO:0015356.

Submission:

Ambry Genetics
Classification: Uncertain significance for Hereditary cancer-predisposing syndrome. Last evaluated: 2025-02-16. Review status: criteria provided, single submitter. Criteria: Ambry Variant Classification Scheme 2023. Collection method: clinical testing. Allele origin: germline.
Comment: The p.N422H variant (also known as c.1264A>C), located in coding exon 9 of the BRCA2 gene, results from an A to C substitution at nucleotide position 1264. The asparagine at codon 422 is replaced by histidine, an amino acid with similar properties. This amino acid position is conserved. In addition, this alteration is predicted to be tolerated by in silico analysis. Based on the available evidence, the clinical significance of this variant remains unclear.

NM_000059.4(BRCA2):c.1264A>C (p.Asn422His)

Gene: BRCA2 (BRCA2 DNA repair associated; plus strand). Cytogenetic location: 13q13.1.
Variant type: single nucleotide variant.
Coding change: c.1264A>C on transcript NM_000059.4 (MANE Select); coding-DNA position 1264, A replaced by C.
Protein change: p.Asn422His; replaces asparagine 422 with histidine.
Molecular consequence: missense variant. On other transcripts: non-coding transcript variant (1), intron variant (1).
Genome position (GRCh38, 1-based): chr13:32,332,742, A>C. VCF-style: chr13-32332742-A-C. GRCh37 (hg19) VCF-style: chr13-32906879-A-C.
Other names: c.1264A>C, p.Asn422His (NM_001406719.1, NM_001406720.1, NM_001406721.1 and 1 more transcripts); c.424+1712A>C (NM_001406722.1); short protein forms N422H.
Identifiers: ClinVar variation 3825469 (VCV003825469.1).